The following is an entry in ClinVar:

NM_152564.5(VPS13B):c.11750A>T (p.Asp3917Val)

Gene: VPS13B (vacuolar protein sorting 13 homolog B; plus strand). Cytogenetic location: 8q22.2.
Variant type: single nucleotide variant.
Coding change: c.11750A>T on transcript NM_152564.5 (MANE Select); coding-DNA position 11750, A replaced by T.
Protein change: p.Asp3917Val; replaces aspartic acid 3917 with valine.
Molecular consequence: missense variant.
Genome position (GRCh38, 1-based): chr8:99,875,422, A>T. VCF-style: chr8-99875422-A-T. GRCh37 (hg19) VCF-style: chr8-100887650-A-T.
Other names: c.11825A>T, p.Asp3942Val (NM_017890.5); short protein forms D3917V, D3942V.
Identifiers: ClinVar variation 970264 (VCV000970264.9), dbSNP rs754404502, ClinGen allele CA4825337.
Genomic context (GRCh38, chr8:99,875,422, plus strand): 5'-GTTCTGGAACTCTCGTAAGGGTCTGGCAACTAATCTTTATTATTTTTGGATCCTAGGTAG[A>T]TGGAGTCCGAGAGAGACTGTCAGAGCAACAGTACAACAGACTGGTGGACTACATCACAAA-3'
Protein context (NP_689777.3, residues 3907-3927): QPRVACDVEV[Asp3917Val]GVRERLSEQQ

ClinVar aggregate classification (germline): Uncertain significance. Review status: criteria provided, multiple submitters, no conflicts (2 of 4 stars). 3 submissions from 3 submitters: Uncertain significance (2). 1 of the submissions does not count toward it. Last evaluated 2025-03-03.

Conditions:
Cohen syndrome (COH1). Also called: PEPPER SYNDROME; Cutis verticis gyrata, retinitis pigmentosa, and sensorineural deafness. Identifiers: Orphanet 193, MedGen C0265223, MONDO:0008999, OMIM 216550.

Allele frequency attached by ClinVar (database versions not stated): gnomAD below 0.00001 and 0.00001; gnomAD exomes 0.00001 and 0.00002; ExAC 0.00002.
gnomAD v4.1: 19 of 1,614,060 alleles (0.0012%); highest among the groups gnomAD compares: South Asian, 0.015%; no homozygotes.

Submissions (3):

Labcorp Genetics (formerly Invitae), Labcorp
Classification: Uncertain significance for Cohen syndrome. Last evaluated: 2025-03-03. Review status: criteria provided, single submitter. Criteria: Invitae Variant Classification Sherloc (09022015). Collection method: clinical testing. Allele origin: germline.
Comment: This sequence change replaces aspartic acid, which is acidic and polar, with valine, which is neutral and non-polar, at codon 3942 of the VPS13B protein (p.Asp3942Val). This variant is present in population databases (rs754404502, gnomAD 0.02%). This variant has not been reported in the literature in individuals affected with VPS13B-related conditions. ClinVar contains an entry for this variant (Variation ID: 970264). Invitae Evidence Modeling of protein sequence and biophysical properties (such as structural, functional, and spatial information, amino acid conservation, physicochemical variation, residue mobility, and thermodynamic stability) indicates that this missense variant is expected to disrupt VPS13B protein function with a positive predictive value of 80%. In summary, the available evidence is currently insufficient to determine the role of this variant in disease. Therefore, it has been classified as a Variant of Uncertain Significance.

Blueprint Genetics
Classification: Uncertain significance. Last evaluated: 2021-06-14. Review status: criteria provided, single submitter. Criteria: ACMG Guidelines, 2015. Collection method: clinical testing. Allele origin: germline.

Natera, Inc.
Classification: Uncertain significance for Cohen syndrome. Last evaluated: 2021-10-09. Review status: no assertion criteria provided. Collection method: clinical testing. Allele origin: germline. Not counted in ClinVar's aggregate classification.